The following is an entry in ClinVar:

NM_032043.3(BRIP1):c.786G>C (p.Glu262Asp)

Gene: BRIP1 (BRCA1 interacting DNA helicase 1; minus strand). Cytogenetic location: 17q23.2.
Variant type: single nucleotide variant.
Coding change: c.786G>C on transcript NM_032043.3 (MANE Select); coding-DNA position 786, G replaced by C.
Protein change: p.Glu262Asp; replaces glutamic acid 262 with aspartic acid.
Molecular consequence: missense variant.
Genome position (GRCh38, 1-based): chr17:61,808,599, C>G on the plus strand (G>C on the coding strand, the complement: BRIP1 is on the minus strand). VCF-style: chr17-61808599-C-G. GRCh37 (hg19) VCF-style: chr17-59885960-C-G.
Other names: short protein forms E262D.
Identifiers: ClinVar variation 229975 (VCV000229975.5), dbSNP rs876658312, ClinGen allele CA10580858.

ClinVar aggregate classification (germline): Uncertain significance (1 of 4 stars; one submission).

Conditions:
Hereditary cancer-predisposing syndrome. Also called: Hereditary neoplastic syndrome; Hereditary Cancer Syndrome; Neoplastic Syndromes, Hereditary; Tumor predisposition. Identifiers: Orphanet 140162, MedGen C0027672, MeSH D009386, MONDO:0015356.

gnomAD v4.1: 1 of 1,613,984 alleles (0.000062%); no homozygotes.

Submission:

Ambry Genetics
Classification: Uncertain significance for Hereditary cancer-predisposing syndrome. Last evaluated: 2015-01-08. Review status: criteria provided, single submitter. Criteria: Ambry Variant Classification Scheme 2023. Collection method: clinical testing. Allele origin: germline.
Comment: The p.E262D variant (also known as c.786G>C), located in coding exon 6 of the BRIP1 gene, results from a G to C substitution at nucleotide position 786. The glutamic acid at codon 262 is replaced by aspartic acid, an amino acid with highly similar properties. This variant was not reported in population based cohorts in the following databases: Database of Single Nucleotide Polymorphisms (dbSNP), NHLBI Exome Sequencing Project (ESP), and 1000 Genomes Project. In the ESP, this variant was not observed in 6503 samples (13006 alleles) with coverage at this position. To date, this alteration has been detected with an allele frequency of approximately 0.003% (greater than 40000 alleles tested) in our clinical cohort. This amino acid position is highly conserved in available vertebrate species. In addition, this alteration is predicted to be deleterious by in silico analysis. Since supporting evidence is limited at this time, the clinical significance of p.E262D remains unclear.